The following is an entry in ClinVar:

NM_000038.6(APC):c.567G>A (p.Leu189=)

Gene: APC (APC regulator of Wnt signaling pathway; plus strand). Cytogenetic location: 5q22.2.
Variant type: single nucleotide variant.
Coding change: c.567G>A on transcript NM_000038.6 (MANE Select); coding-DNA position 567, G replaced by A.
Protein change: p.Leu189=; no amino-acid change (leucine 189 retained).
Molecular consequence: synonymous variant. On other transcripts: 5 prime UTR variant (4), non-coding transcript variant (2).
Genome position (GRCh38, 1-based): chr5:112,780,825, G>A. VCF-style: chr5-112780825-G-A. GRCh37 (hg19) VCF-style: chr5-112116522-G-A.
Other names: c.567G>A, p.Leu189= (NM_001127510.3, NM_001354895.2, NM_001354896.2 and 16 more transcripts); c.597G>A, p.Leu199= (NM_001127511.3, NM_001354897.2, NM_001354902.2 and 1 more transcripts); c.492G>A, p.Leu164= (NM_001354898.2, NM_001354904.2, NM_001407451.1); c.390G>A, p.Leu130= (NM_001354900.2, NM_001354901.2, NM_001354905.2 and 1 more transcripts); c.-469G>A (NM_001354906.2, NM_001407470.1, NM_001407471.1 and 1 more transcripts); c.567G>A (NM_000038.5).
Identifiers: ClinVar variation 2865753 (VCV002865753.5), dbSNP rs1554072586, ClinGen allele CA445755494.

ClinVar aggregate classification (germline): Benign/Likely benign. Review status: criteria provided, multiple submitters, no conflicts (2 of 4 stars). 3 submissions from 3 submitters: Benign (1); Likely benign (2). Last evaluated 2025-03-22.

Conditions:
Hereditary cancer-predisposing syndrome. Also called: Hereditary neoplastic syndrome; Tumor predisposition; Neoplastic Syndromes, Hereditary; Hereditary Cancer Syndrome. Identifiers: Orphanet 140162, MedGen C0027672, MeSH D009386, MONDO:0015356.
Familial adenomatous polyposis 1 (FAP1). Also called: FAMILIAL ADENOMATOUS POLYPOSIS 1, ATTENUATED; POLYPOSIS, ADENOMATOUS INTESTINAL. Identifiers: MedGen C2713442, MONDO:0021056, OMIM 175100. Disease mechanism: loss of function.

Submissions (3):

Ambry Genetics
Classification: Likely benign for Hereditary cancer-predisposing syndrome. Last evaluated: 2025-03-22. Review status: criteria provided, single submitter. Criteria: Ambry Variant Classification Scheme 2023. Collection method: clinical testing. Allele origin: germline.

Myriad Genetics, Inc.
Classification: Benign for Familial adenomatous polyposis 1. Last evaluated: 2024-02-23. Review status: criteria provided, single submitter. Criteria: Myriad Autosomal Dominant, Autosomal Recessive and X-Linked Classification Criteria (2023). Collection method: clinical testing. Allele origin: unknown.
Comment: This variant is considered benign. This variant is a silent/synonymous amino acid change and it is not expected to impact splicing.

Labcorp Genetics (formerly Invitae), Labcorp
Classification: Likely benign for Familial adenomatous polyposis 1. Last evaluated: 2023-11-23. Review status: criteria provided, single submitter. Criteria: Invitae Variant Classification Sherloc (09022015). Collection method: clinical testing. Allele origin: germline.